The following is an entry in ClinVar:

NM_001567.4(INPPL1):c.996_1001delinsGATGTG (p.Phe332_Leu334delinsLeuMetTrp)

Gene: INPPL1 (inositol polyphosphate phosphatase like 1; plus strand). Cytogenetic location: 11q13.4.
Variant type: Indel.
Coding change: c.996_1001delinsGATGTG on transcript NM_001567.4 (MANE Select); coding-DNA positions 996 to 1001, CACGCT replaced by GATGTG.
Protein change: p.Phe332_Leu334delinsLeuMetTrp.
Molecular consequence: missense variant.
Genome position (GRCh38, 1-based): chr11:72,230,177-72,230,182, CACGCT replaced by GATGTG. VCF-style: chr11-72230177-CACGCT-GATGTG. GRCh37 (hg19) VCF-style: chr11-71941221-CACGCT-GATGTG.
Identifiers: ClinVar variation 2090476 (VCV002090476.4), dbSNP rs2539202325, ClinGen allele CA2580084853.

ClinVar aggregate classification (germline): Uncertain significance. Review status: criteria provided, multiple submitters, no conflicts (2 of 4 stars). 2 submissions from 2 submitters: Uncertain significance (2). Last evaluated 2025-08-18.

Submissions (2):

Labcorp Genetics (formerly Invitae), Labcorp
Classification: Uncertain significance. Last evaluated: 2025-08-18. Review status: criteria provided, single submitter. Criteria: Invitae Variant Classification Sherloc (09022015). Collection method: clinical testing. Allele origin: germline.
Comment: This variant, c.996_1001delinsGATGTG, is a complex sequence change that results in the deletion of 3 and insertion of 3 amino acid(s) in the INPPL1 protein (p.Phe332_Leu334delinsLeuMetTrp). Information on the frequency of this variant in the gnomAD database is not available, as this variant may be reported differently in the database. This variant has not been reported in the literature in individuals affected with INPPL1-related conditions. ClinVar contains an entry for this variant (Variation ID: 2090476). Experimental studies and prediction algorithms are not available or were not evaluated, and the functional significance of this variant is currently unknown. In summary, the available evidence is currently insufficient to determine the role of this variant in disease. Therefore, it has been classified as a Variant of Uncertain Significance.

Women's Health and Genetics/Laboratory Corporation of America, LabCorp
Classification: Uncertain significance. Last evaluated: 2025-02-05. Review status: criteria provided, single submitter. Criteria: LabCorp Variant Classification Summary - May 2015. Collection method: clinical testing. Allele origin: germline.
Comment: Variant summary: INPPL1 c.996_1001delinsGATGTG (p.Phe332_Leu334delinsLeuMetTrp) results in an in-frame deletion-insertion that is predicted to delete 3 amino acids from the protein and also insert 3 amino acids. The variant was absent in 249748 control chromosomes. The available data on variant occurrences in the general population are insufficient to allow any conclusion about variant significance. To our knowledge, no occurrence of c.996_1001delinsGATGTG in individuals affected with Opsismodysplasia and no experimental evidence demonstrating its impact on protein function have been reported. ClinVar contains an entry for this variant (Variation ID: 2090476). Based on the evidence outlined above, the variant was classified as uncertain significance.